The following is an entry in ClinVar:

ClinVar aggregate classification (germline): Uncertain significance. Review status: criteria provided, multiple submitters, no conflicts (2 of 4 stars). 4 submissions from 4 submitters: Uncertain significance (4). Last evaluated 2025-06-09.

Conditions:
Inborn genetic diseases. Identifiers: MedGen C0950123, MeSH D030342.
Oculotrichoanal syndrome (MOTA). Also called: Manitoba Oculotrichoanal (MOTA) Syndrome; MARLES SYNDROME. Identifiers: Orphanet 2717, MedGen C1855425, MONDO:0009560, OMIM 248450.

Allele frequency attached by ClinVar (database versions not stated): ExAC 0.00004; gnomAD 0.00004; gnomAD exomes 0.00006; TOPMed 0.00006.
gnomAD v4.1: 104 of 1,613,758 alleles (0.0064%); highest among the groups gnomAD compares: Middle Eastern, 0.016%; no homozygotes.

Submissions (4):

Labcorp Genetics (formerly Invitae), Labcorp
Classification: Uncertain significance. Last evaluated: 2025-06-09. Review status: criteria provided, single submitter. Criteria: Invitae Variant Classification Sherloc (09022015). Collection method: clinical testing. Allele origin: germline.
Comment: This sequence change replaces isoleucine, which is neutral and non-polar, with valine, which is neutral and non-polar, at codon 930 of the FREM1 protein (p.Ile930Val). This variant is present in population databases (rs771396927, gnomAD 0.009%). This variant has not been reported in the literature in individuals affected with FREM1-related conditions. ClinVar contains an entry for this variant (Variation ID: 912776). Invitae Evidence Modeling of protein sequence and biophysical properties (such as structural, functional, and spatial information, amino acid conservation, physicochemical variation, residue mobility, and thermodynamic stability) indicates that this missense variant is not expected to disrupt FREM1 protein function with a negative predictive value of 80%. In summary, the available evidence is currently insufficient to determine the role of this variant in disease. Therefore, it has been classified as a Variant of Uncertain Significance.

Ambry Genetics
Classification: Uncertain significance for Inborn genetic diseases. Last evaluated: 2024-04-08. Review status: criteria provided, single submitter. Criteria: Ambry Variant Classification Scheme 2023. Collection method: clinical testing. Allele origin: germline.

CeGaT Center for Human Genetics Tuebingen
Classification: Uncertain significance. Last evaluated: 2022-05-01. Review status: criteria provided, single submitter. Criteria: CeGaT Center For Human Genetics Tuebingen Variant Classification Criteria Version 2. Collection method: clinical testing. Allele origin: germline. Affected: yes. Observed: 1 variant allele.
Comment: FREM1: PM2:Supporting, BP4

Illumina Laboratory Services, Illumina
Classification: Uncertain significance for Oculotrichoanal syndrome. Last evaluated: 2018-01-13. Review status: criteria provided, single submitter. Criteria: ICSL Variant Classification Criteria 13 December 2019. Collection method: clinical testing. Allele origin: germline.

NM_001379081.2(FREM1):c.2788A>G (p.Ile930Val)

Genes: FREM1 (FRAS1 related extracellular matrix 1; minus strand), LOC126860582 (P300/CBP strongly-dependent group 1 enhancer GRCh37_chr9:14812530-14813729; plus strand). Cytogenetic location: 9p22.3.
Variant type: single nucleotide variant.
Coding change: c.2788A>G on transcript NM_001379081.2 (MANE Select); coding-DNA position 2788, A replaced by G.
Protein change: p.Ile930Val; replaces isoleucine 930 with valine.
Molecular consequence: missense variant. On other transcripts: non-coding transcript variant (2).
Genome position (GRCh38, 1-based): chr9:14,812,917, T>C on the plus strand (A>G on the coding strand, the complement: FREM1 is on the minus strand). VCF-style: chr9-14812917-T-C. GRCh37 (hg19) VCF-style: chr9-14812915-T-C.
Other names: c.2788A>G, p.Ile930Val (NM_144966.7); short protein forms I930V.
Identifiers: ClinVar variation 912776 (VCV000912776.33), dbSNP rs771396927, ClinGen allele CA4990815.